The following is an entry in ClinVar:

ClinVar aggregate classification (germline): Uncertain significance (1 of 4 stars; one submission).

gnomAD v4.1: 3 of 1,614,184 alleles (0.00019%); highest among the groups gnomAD compares: East Asian, 0.0022%; no homozygotes.

Submission:

Women's Health and Genetics/Laboratory Corporation of America, LabCorp
Classification: Uncertain significance. Last evaluated: 2025-02-19. Review status: criteria provided, single submitter. Criteria: LabCorp Variant Classification Summary - May 2015. Collection method: clinical testing. Allele origin: germline.
Comment: Variant summary: DIP2B c.2789A>G (p.Asn930Ser) results in a conservative amino acid change located in the Dip2 domain (IPR037337) of the encoded protein sequence. Four of five in-silico tools predict a benign effect of the variant on protein function. The variant allele was found at a frequency of 4e-06 in 251442 control chromosomes. The available data on variant occurrences in the general population are insufficient to allow any conclusion about variant significance. To our knowledge, no occurrence of c.2789A>G in individuals affected with Intellectual Disability, FRA12A Type and no experimental evidence demonstrating its impact on protein function have been reported. No submitters have cited clinical-significance assessments for this variant to ClinVar. Based on the evidence outlined above, the variant was classified as uncertain significance.

NM_173602.3(DIP2B):c.2789A>G (p.Asn930Ser)

Gene: DIP2B (disco interacting protein 2 homolog B; plus strand). Cytogenetic location: 12q13.12.
Variant type: single nucleotide variant.
Coding change: c.2789A>G on transcript NM_173602.3 (MANE Select); coding-DNA position 2789, A replaced by G.
Protein change: p.Asn930Ser; replaces asparagine 930 with serine.
Molecular consequence: missense variant.
Genome position (GRCh38, 1-based): chr12:50,714,534, A>G. VCF-style: chr12-50714534-A-G. GRCh37 (hg19) VCF-style: chr12-51108317-A-G.
Other names: short protein forms N930S.
Identifiers: ClinVar variation 3768925 (VCV003768925.1).